The following is an entry in ClinVar:

ClinVar aggregate classification (germline): Uncertain significance (0 of 4 stars; one submission).

Conditions:
FRAS1-related disorder. Also called: FRAS1-related condition.

gnomAD v4.1: 10 of 1,604,676 alleles (0.00062%); highest among the groups gnomAD compares: Middle Eastern, 0.033%; no homozygotes.

Submission:

PreventionGenetics, part of Exact Sciences
Classification: Uncertain significance for FRAS1-related condition. Last evaluated: 2024-03-08. Review status: no assertion criteria provided. Collection method: clinical testing. Allele origin: germline.
Comment: The FRAS1 c.3044C>T variant is predicted to result in the amino acid substitution p.Pro1015Leu. To our knowledge, this variant has not been reported in the literature or in a large population database, indicating this variant is rare. At this time, the clinical significance of this variant is uncertain due to the absence of conclusive functional and genetic evidence.

NM_025074.7(FRAS1):c.3044C>T (p.Pro1015Leu)

Gene: FRAS1 (Fraser extracellular matrix complex subunit 1; plus strand). Cytogenetic location: 4q21.21.
Variant type: single nucleotide variant.
Coding change: c.3044C>T on transcript NM_025074.7 (MANE Select); coding-DNA position 3044, C replaced by T.
Protein change: p.Pro1015Leu; replaces proline 1015 with leucine.
Molecular consequence: missense variant.
Genome position (GRCh38, 1-based): chr4:78,374,144, C>T. VCF-style: chr4-78374144-C-T. GRCh37 (hg19) VCF-style: chr4-79295298-C-T.
Other names: c.3044C>T, p.Pro1015Leu (NM_001166133.2); short protein forms P1015L.
Identifiers: ClinVar variation 3353661 (VCV003353661.1).